The following is an entry in ClinVar:

NM_005559.4(LAMA1):c.6951C>T (p.Val2317=)

Gene: LAMA1 (laminin subunit alpha 1; minus strand). Cytogenetic location: 18p11.31.
Variant type: single nucleotide variant.
Coding change: c.6951C>T on transcript NM_005559.4 (MANE Select); coding-DNA position 6951, C replaced by T.
Protein change: p.Val2317=; no amino-acid change (valine 2317 retained).
Molecular consequence: synonymous variant.
Genome position (GRCh38, 1-based): chr18:6,966,246, G>A on the plus strand (C>T on the coding strand, the complement: LAMA1 is on the minus strand). VCF-style: chr18-6966246-G-A. GRCh37 (hg19) VCF-style: chr18-6966245-G-A.
Other names: c.6951C>T (NM_005559.3).
Identifiers: ClinVar variation 1911162 (VCV001911162.7), dbSNP rs755752110, ClinGen allele CA8881068.

ClinVar aggregate classification (germline): Likely benign. Review status: criteria provided, single submitter (1 of 4 stars). 2 submissions from 2 submitters: Likely benign (1). 1 of the submissions does not count toward it. Last evaluated 2022-08-21.

Conditions:
LAMA1-related disorder. Also called: LAMA1-related disorders; LAMA1-related condition.

Allele frequency attached by ClinVar (database versions not stated): gnomAD exomes 0.00001; gnomAD 0.00002; ExAC 0.00003; TOPMed 0.00005.
gnomAD v4.1: 12 of 1,613,758 alleles (0.00074%); highest among the groups gnomAD compares: Admixed American, 0.013%; no homozygotes.

Submissions (2):

Labcorp Genetics (formerly Invitae), Labcorp
Classification: Likely benign. Last evaluated: 2022-08-21. Review status: criteria provided, single submitter. Criteria: Invitae Variant Classification Sherloc (09022015). Collection method: clinical testing. Allele origin: germline.

PreventionGenetics, part of Exact Sciences
Classification: Likely benign for LAMA1-related condition. Last evaluated: 2019-08-06. Review status: no assertion criteria provided. Collection method: clinical testing. Allele origin: germline. Not counted in ClinVar's aggregate classification.
Comment: This variant is classified as likely benign based on ACMG/AMP sequence variant interpretation guidelines (Richards et al. 2015 PMID: 25741868, with internal and published modifications).